The following is an entry in ClinVar:

NM_001080449.3(DNA2):c.1124G>T (p.Arg375Ile)

Gene: DNA2 (DNA replication helicase/nuclease 2; minus strand). Cytogenetic location: 10q21.3.
Variant type: single nucleotide variant.
Coding change: c.1124G>T on transcript NM_001080449.3 (MANE Select); coding-DNA position 1124, G replaced by T.
Protein change: p.Arg375Ile; replaces arginine 375 with isoleucine.
Molecular consequence: missense variant. On other transcripts: non-coding transcript variant (1).
Genome position (GRCh38, 1-based): chr10:68,445,017, C>A on the plus strand (G>T on the coding strand, the complement: DNA2 is on the minus strand). VCF-style: chr10-68445017-C-A. GRCh37 (hg19) VCF-style: chr10-70204774-C-A.
Other names: short protein forms R375I.
Identifiers: ClinVar variation 1501904 (VCV001501904.8), dbSNP rs758659575, ClinGen allele CA376862636.
Genomic context (GRCh38, chr10:68,445,017, plus strand): 5'-TATTTACAAGTTTTCTCTTCCTCAATTATTTGTGGCAAAGAAGCAAGCTGTGTCTTCTGT[C>A]TAGTAGCAGATTTGCTAATACGGTGAAACAATGAGAATGCCATCTGGTTTCTTAGCTTTA-3'
Protein context (NP_001073918.2, residues 365-385): LFHRISKSAT[Arg375Ile]QKTQLASLPQ

ClinVar aggregate classification (germline): Uncertain significance (1 of 4 stars; one submission).

Allele frequency attached by ClinVar (database versions not stated): TOPMed below 0.00001.

Submission:

Labcorp Genetics (formerly Invitae), Labcorp
Classification: Uncertain significance. Last evaluated: 2024-06-19. Review status: criteria provided, single submitter. Criteria: Invitae Variant Classification Sherloc (09022015). Collection method: clinical testing. Allele origin: germline.
Comment: This sequence change replaces arginine, which is basic and polar, with isoleucine, which is neutral and non-polar, at codon 375 of the DNA2 protein (p.Arg375Ile). This variant is not present in population databases (gnomAD no frequency). This variant has not been reported in the literature in individuals affected with DNA2-related conditions. ClinVar contains an entry for this variant (Variation ID: 1501904). Experimental studies and prediction algorithms are not available or were not evaluated, and the functional significance of this variant is currently unknown. In summary, the available evidence is currently insufficient to determine the role of this variant in disease. Therefore, it has been classified as a Variant of Uncertain Significance.